The following is an entry in ClinVar:

ClinVar aggregate classification (germline): Uncertain significance. Review status: criteria provided, multiple submitters, no conflicts (2 of 4 stars). 2 submissions from 2 submitters: Uncertain significance (2). Last evaluated 2024-11-24.

Conditions:
Hereditary cancer-predisposing syndrome. Also called: Neoplastic Syndromes, Hereditary; Tumor predisposition; Hereditary Cancer Syndrome; Hereditary neoplastic syndrome. Identifiers: Orphanet 140162, MedGen C0027672, MeSH D009386, MONDO:0015356.
Familial adenomatous polyposis 1 (FAP1). Also called: FAMILIAL ADENOMATOUS POLYPOSIS 1, ATTENUATED; POLYPOSIS, ADENOMATOUS INTESTINAL. Identifiers: MedGen C2713442, MONDO:0021056, OMIM 175100. Disease mechanism: loss of function.

Submissions (2):

Labcorp Genetics (formerly Invitae), Labcorp
Classification: Uncertain significance for Familial adenomatous polyposis 1. Last evaluated: 2024-11-24. Review status: criteria provided, single submitter. Criteria: Invitae Variant Classification Sherloc (09022015). Collection method: clinical testing. Allele origin: germline.
Comment: This sequence change replaces threonine, which is neutral and polar, with arginine, which is basic and polar, at codon 1112 of the APC protein (p.Thr1112Arg). This variant is not present in population databases (gnomAD no frequency). This variant has not been reported in the literature in individuals affected with APC-related conditions. ClinVar contains an entry for this variant (Variation ID: 482456). Invitae Evidence Modeling of protein sequence and biophysical properties (such as structural, functional, and spatial information, amino acid conservation, physicochemical variation, residue mobility, and thermodynamic stability) indicates that this missense variant is not expected to disrupt APC protein function with a negative predictive value of 95%. In summary, the available evidence is currently insufficient to determine the role of this variant in disease. Therefore, it has been classified as a Variant of Uncertain Significance.

Ambry Genetics
Classification: Uncertain significance for Hereditary cancer-predisposing syndrome. Last evaluated: 2023-06-12. Review status: criteria provided, single submitter. Criteria: Ambry Variant Classification Scheme 2023. Collection method: clinical testing. Allele origin: germline.
Comment: The p.T1112R variant (also known as c.3335C>G), located in coding exon 15 of the APC gene, results from a C to G substitution at nucleotide position 3335. The threonine at codon 1112 is replaced by arginine, an amino acid with similar properties. This amino acid position is not well conserved in available vertebrate species. In addition, in silico predictors for this gene do not accurately predict pathogenicity. Since supporting evidence is limited at this time, the clinical significance of this alteration remains unclear.

NM_000038.6(APC):c.3335C>G (p.Thr1112Arg)

Gene: APC (APC regulator of Wnt signaling pathway; plus strand). Cytogenetic location: 5q22.2.
Variant type: single nucleotide variant.
Coding change: c.3335C>G on transcript NM_000038.6 (MANE Select); coding-DNA position 3335, C replaced by G.
Protein change: p.Thr1112Arg; replaces threonine 1112 with arginine.
Molecular consequence: missense variant.
Genome position (GRCh38, 1-based): chr5:112,838,929, C>G. VCF-style: chr5-112838929-C-G. GRCh37 (hg19) VCF-style: chr5-112174626-C-G.
Other names: c.3335C>G, p.Thr1112Arg (NM_001127510.3, NM_001354895.2); c.3281C>G, p.Thr1094Arg (NM_001127511.3); c.3389C>G, p.Thr1130Arg (NM_001354896.2); c.3365C>G, p.Thr1122Arg (NM_001354897.2); c.3260C>G, p.Thr1087Arg (NM_001354898.2); c.3251C>G, p.Thr1084Arg (NM_001354899.2); c.3212C>G, p.Thr1071Arg (NM_001354900.2); c.3158C>G, p.Thr1053Arg (NM_001354901.2); and 5 more; short protein forms T1094R, T1112R, T1011R, T1053R, T1122R, T829R, T1021R, T1071R.
Identifiers: ClinVar variation 482456 (VCV000482456.13), dbSNP rs146007372, ClinGen allele CA16028646.